The following is an entry in ClinVar:

ClinVar aggregate classification (germline): Uncertain significance (1 of 4 stars; one submission).

Submission:

CeGaT Center for Human Genetics Tuebingen
Classification: Uncertain significance. Last evaluated: 2026-07-01. Review status: criteria provided, single submitter. Criteria: CeGaT Center For Human Genetics Tuebingen Variant Classification Criteria Version 2. Collection method: clinical testing. Allele origin: germline. Affected: yes. Observed: 1 variant allele.
Comment: LRP4: PM2, PP2

NM_002334.4(LRP4):c.1254C>G (p.Cys418Trp)

Gene: LRP4 (LDL receptor related protein 4; minus strand). Cytogenetic location: 11p11.2.
Variant type: single nucleotide variant.
Coding change: c.1254C>G on transcript NM_002334.4 (MANE Select); coding-DNA position 1254, C replaced by G.
Protein change: p.Cys418Trp; replaces cysteine 418 with tryptophan.
Molecular consequence: missense variant.
Genome position (GRCh38, 1-based): chr11:46,895,221, G>C on the plus strand (C>G on the coding strand, the complement: LRP4 is on the minus strand). VCF-style: chr11-46895221-G-C. GRCh37 (hg19) VCF-style: chr11-46916772-G-C.
Other names: short protein forms C418W.
Identifiers: ClinVar variation 5040008 (VCV005040008.1).